The following is an entry in ClinVar:

ClinVar aggregate classification (germline): Uncertain significance (1 of 4 stars; one submission).

Submission:

Women's Health and Genetics/Laboratory Corporation of America, LabCorp
Classification: Uncertain significance. Last evaluated: 2024-12-03. Review status: criteria provided, single submitter. Criteria: LabCorp Variant Classification Summary - May 2015. Collection method: clinical testing. Allele origin: germline.
Comment: Variant summary: TLK2 c.969-19A>G alters a nucleotide located at a position not widely known to affect splicing. Several computational tools predict a significant impact on normal splicing: Four predict the variant creates a 3' acceptor site. However, these predictions have yet to be confirmed by functional studies. The variant was absent in 237436 control chromosomes. The available data on variant occurrences in the general population are insufficient to allow any conclusion about variant significance. To our knowledge, no occurrence of c.969-19A>G in individuals affected with Intellectual Disability, Autosomal Dominant 57 and no experimental evidence demonstrating its impact on protein function have been reported. No submitters have cited clinical-significance assessments for this variant to ClinVar. Based on the evidence outlined above, the variant was classified as uncertain significance.

NM_006852.6(TLK2):c.969-19A>G

Gene: TLK2 (tousled like kinase 2; plus strand). Cytogenetic location: 17q23.2.
Variant type: single nucleotide variant.
Coding change: c.969-19A>G on transcript NM_006852.6 (MANE Select); 19 bases into the intron before coding-DNA position 969, A replaced by G.
Molecular consequence: intron variant.
Genome position (GRCh38, 1-based): chr17:62,573,196, A>G. VCF-style: chr17-62573196-A-G. GRCh37 (hg19) VCF-style: chr17-60650557-A-G.
Other names: c.969-19A>G (NM_001375271.1, NM_001375270.1, NM_001284333.3); c.522-19A>G (NM_001375273.1, NM_001330418.3); c.873-19A>G (NM_001375272.1, NM_001284363.1); c.684-19A>G (NM_001411074.1); c.1011-19A>G (NM_001375269.1).
Identifiers: ClinVar variation 3768323 (VCV003768323.1).